The following is an entry in ClinVar:

NM_001382391.1(CSPP1):c.3289G>T (p.Ala1097Ser)

Genes: ARFGEF1 (ARF guanine nucleotide exchange factor 1; minus strand), CSPP1 (centrosome and spindle pole associated protein 1; plus strand). Cytogenetic location: 8q13.2.
Variant type: single nucleotide variant.
Coding change: c.3289G>T on transcript NM_001382391.1 (MANE Select); coding-DNA position 3289, G replaced by T.
Protein change: p.Ala1097Ser; replaces alanine 1097 with serine.
Molecular consequence: missense variant. On other transcripts: intron variant (2).
Genome position (GRCh38, 1-based): chr8:67,190,718, G>T. VCF-style: chr8-67190718-G-T. GRCh37 (hg19) VCF-style: chr8-68102953-G-T.
Other names: c.3094G>T, p.Ala1032Ser (NM_001363132.2); c.3013G>T, p.Ala1005Ser (NM_001363133.2); c.3355G>T, p.Ala1119Ser (NM_001364869.1); c.3175G>T, p.Ala1059Ser (NM_001364870.1); c.3121G>T, p.Ala1041Ser (NM_001438330.1); c.3274G>T, p.Ala1092Ser (NM_001438331.1, NM_024790.7); c.2590G>T, p.Ala864Ser (NM_001438332.1); c.5367+9678C>A (NM_001413186.1); and 3 more; short protein forms A1070S, A1097S, A1059S, A1119S, A1092S, A1005S, A1032S, A747S.
Identifiers: ClinVar variation 1360526 (VCV001360526.6), dbSNP rs774501418, ClinGen allele CA371202248.

ClinVar aggregate classification (germline): Uncertain significance (1 of 4 stars; one submission).

Conditions:
Joubert syndrome 21 (JBTS21). Identifiers: MedGen C3810212, MONDO:0014288, OMIM 615636.

Submission:

Labcorp Genetics (formerly Invitae), Labcorp
Classification: Uncertain significance for Joubert syndrome 21. Last evaluated: 2022-07-19. Review status: criteria provided, single submitter. Criteria: Invitae Variant Classification Sherloc (09022015). Collection method: clinical testing. Allele origin: germline.
Comment: In summary, the available evidence is currently insufficient to determine the role of this variant in disease. Therefore, it has been classified as a Variant of Uncertain Significance. Algorithms developed to predict the effect of missense changes on protein structure and function are either unavailable or do not agree on the potential impact of this missense change (SIFT: "Tolerated"; PolyPhen-2: "Probably Damaging"; Align-GVGD: "Class C0"). ClinVar contains an entry for this variant (Variation ID: 1360526). This variant has not been reported in the literature in individuals affected with CSPP1-related conditions. This variant is not present in population databases (gnomAD no frequency). This sequence change replaces alanine, which is neutral and non-polar, with serine, which is neutral and polar, at codon 1092 of the CSPP1 protein (p.Ala1092Ser).